The following is an entry in ClinVar:

NM_138773.4(SLC25A46):c.61G>A (p.Glu21Lys)

Gene: SLC25A46 (solute carrier family 25 member 46; plus strand). Cytogenetic location: 5q22.1.
Variant type: single nucleotide variant.
Coding change: c.61G>A on transcript NM_138773.4 (MANE Select); coding-DNA position 61, G replaced by A.
Protein change: p.Glu21Lys; replaces glutamic acid 21 with lysine.
Molecular consequence: missense variant. On other transcripts: non-coding transcript variant (1), intron variant (1).
Genome position (GRCh38, 1-based): chr5:110,739,180, G>A. VCF-style: chr5-110739180-G-A. GRCh37 (hg19) VCF-style: chr5-110074881-G-A.
Other names: c.61G>A, p.Glu21Lys (NM_001303249.3); c.10+933G>A (NM_001303250.3); short protein forms E21K.
Identifiers: ClinVar variation 2049669 (VCV002049669.1), dbSNP rs978518059, ClinGen allele CA360693060.
Genomic context (GRCh38, chr5:110,739,180, plus strand): 5'-ATGCATCCGCGGCGCCCGGACGGATTTGATGGCTTGGGCTACCGGGGTGGTGCCCGGGAC[G>A]AGCAGGGCTTTGGCGGCGCCTTCCCTGCAAGGTCCTTCAGCACCGGGTCGGACCTGGGCC-3'
Protein context (NP_620128.1, residues 11-31): GLGYRGGARD[Glu21Lys]QGFGGAFPAR

ClinVar aggregate classification (germline): Uncertain significance (1 of 4 stars; one submission).

Conditions:
Neuropathy, hereditary motor and sensory, type 6B (HMSN6B). Also called: HMSN VIB; CHARCOT-MARIE-TOOTH DISEASE, TYPE 6B; Neuropathy, hereditary motor and sensory, type VIB; NEUROPATHY, HEREDITARY MOTOR AND SENSORY, TYPE VIB, WITH OPTIC ATROPHY. Identifiers: MedGen C4225302, MONDO:0014671, OMIM 616505.

Allele frequency attached by ClinVar (database versions not stated): gnomAD 0.00001; gnomAD exomes 0.00001; TOPMed 0.00002.
gnomAD v4.1: 20 of 1,551,906 alleles (0.0013%); highest among the groups gnomAD compares: Non-Finnish European, 0.0017%; no homozygotes.

Submission:

Labcorp Genetics (formerly Invitae), Labcorp
Classification: Uncertain significance for Neuropathy, hereditary motor and sensory, type 6B. Last evaluated: 2022-02-21. Review status: criteria provided, single submitter. Criteria: Invitae Variant Classification Sherloc (09022015). Collection method: clinical testing. Allele origin: germline.
Comment: This sequence change replaces glutamic acid, which is acidic and polar, with lysine, which is basic and polar, at codon 21 of the SLC25A46 protein (p.Glu21Lys). This variant is present in population databases (no rsID available, gnomAD 0.004%). This variant has not been reported in the literature in individuals affected with SLC25A46-related conditions. Algorithms developed to predict the effect of missense changes on protein structure and function (SIFT, PolyPhen-2, Align-GVGD) all suggest that this variant is likely to be tolerated. In summary, the available evidence is currently insufficient to determine the role of this variant in disease. Therefore, it has been classified as a Variant of Uncertain Significance.